The following is an entry in ClinVar:

ClinVar aggregate classification (germline): Uncertain significance (1 of 4 stars; one submission).

Conditions:
MYO5B-related disorder. Also called: MYO5B-related condition.

Allele frequency attached by ClinVar (database versions not stated): gnomAD exomes below 0.00001; TOPMed 0.00001.
gnomAD v4.1: 1 of 1,614,000 alleles (0.000062%); highest among the groups gnomAD compares: Admixed American, 0.0017%; no homozygotes.

Submission:

PreventionGenetics, part of Exact Sciences
Classification: Uncertain significance for MYO5B-related condition. Last evaluated: 2023-06-02. Review status: criteria provided, single submitter. Criteria: ACMG Guidelines, 2015. Collection method: clinical testing. Allele origin: germline.
Comment: The MYO5B c.5512G>A variant is predicted to result in the amino acid substitution p.Ala1838Thr. To our knowledge, this variant has not been reported in the literature. This variant is reported in 0.0029% of alleles in individuals of Latino descent in gnomAD. At this time, the clinical significance of this variant is uncertain due to the absence of conclusive functional and genetic evidence.

NM_001080467.3(MYO5B):c.5512G>A (p.Ala1838Thr)

Genes: MYO5B (myosin VB; minus strand), SNHG22 (small nucleolar RNA host gene 22; plus strand). Cytogenetic location: 18q21.1.
Variant type: single nucleotide variant.
Coding change: c.5512G>A on transcript NM_001080467.3 (MANE Select); coding-DNA position 5512, G replaced by A.
Protein change: p.Ala1838Thr; replaces alanine 1838 with threonine.
Molecular consequence: missense variant.
Genome position (GRCh38, 1-based): chr18:49,826,506, C>T on the plus strand (G>A on the coding strand, the complement: MYO5B is on the minus strand). VCF-style: chr18-49826506-C-T. GRCh37 (hg19) VCF-style: chr18-47352876-C-T.
Other names: short protein forms A1838T.
Identifiers: ClinVar variation 2628681 (VCV002628681.1), dbSNP rs1336307050, ClinGen allele CA402417466.